The following is an entry in ClinVar:

NM_004727.3(SLC24A1):c.3184T>C (p.Cys1062Arg)

Gene: SLC24A1 (solute carrier family 24 member 1; plus strand). Cytogenetic location: 15q22.31.
Variant type: single nucleotide variant.
Coding change: c.3184T>C on transcript NM_004727.3 (MANE Select); coding-DNA position 3184, T replaced by C.
Protein change: p.Cys1062Arg; replaces cysteine 1062 with arginine.
Molecular consequence: missense variant. On other transcripts: intron variant (1).
Genome position (GRCh38, 1-based): chr15:65,653,963, T>C. VCF-style: chr15-65653963-T-C. GRCh37 (hg19) VCF-style: chr15-65946301-T-C.
Other names: c.1165T>C, p.Cys389Arg (NM_001254740.2); c.3094T>C, p.Cys1032Arg (NM_001301031.1); c.3130T>C, p.Cys1044Arg (NM_001301032.1); c.2996+1155T>C (NM_001301033.2); short protein forms C1062R, C1032R, C1044R, C389R.
Identifiers: ClinVar variation 951275 (VCV000951275.9), dbSNP rs149805424, ClinGen allele CA271573454.

ClinVar aggregate classification (germline): Uncertain significance (1 of 4 stars; one submission).

Allele frequency attached by ClinVar (database versions not stated): gnomAD 0.00001; gnomAD exomes 0.00001.
gnomAD v4.1: 8 of 1,613,928 alleles (0.0005%); highest among the groups gnomAD compares: African/African-American, 0.0013%; no homozygotes.

Submission:

Labcorp Genetics (formerly Invitae), Labcorp
Classification: Uncertain significance. Last evaluated: 2023-10-03. Review status: criteria provided, single submitter. Criteria: Invitae Variant Classification Sherloc (09022015). Collection method: clinical testing. Allele origin: germline.
Comment: This sequence change replaces cysteine, which is neutral and slightly polar, with arginine, which is basic and polar, at codon 1062 of the SLC24A1 protein (p.Cys1062Arg). This variant is not present in population databases (gnomAD no frequency). This missense change has been observed in individual(s) with clinical features of congenital stationary night blindness (Invitae). ClinVar contains an entry for this variant (Variation ID: 951275). An algorithm developed to predict the effect of missense changes on protein structure and function (PolyPhen-2) suggests that this variant is likely to be disruptive. In summary, the available evidence is currently insufficient to determine the role of this variant in disease. Therefore, it has been classified as a Variant of Uncertain Significance.